The following is an entry in ClinVar:

ClinVar aggregate classification (germline): Benign/Likely benign. Review status: criteria provided, multiple submitters, no conflicts (2 of 4 stars). 16 submissions from 14 submitters: Benign (9); Likely benign (7). Last evaluated 2026-10-01.

Conditions:
Arrhythmogenic right ventricular cardiomyopathy (ARVD). Also called: Arrhythmogenic Right Ventricular Cardiomyopathy (ARVC); Cardiomyopathy, ARVC; Arrhythmogenic right ventricular dysplasia; Arrhythmogenic cardiomyopathy. Identifiers: Orphanet 247, MedGen C0349788, MeSH D019571, MONDO:0016587. Disease mechanism: loss of function. Inheritance: Various modes of inheritance.
Arrhythmogenic cardiomyopathy with wooly hair and keratoderma. Also called: Carvajal syndrome; Dilated cardiomyopathy with woolly hair and keratoderma; Arrhythmogenic cardiomyopathy with woolly hair and keratoderma; PALMOPLANTAR KERATODERMA WITH LEFT VENTRICULAR CARDIOMYOPATHY AND WOOLLY HAIR. Identifiers: Orphanet 65282, MedGen C1854063, MONDO:0011581, OMIM 605676.
Arrhythmogenic right ventricular dysplasia 8 (ARVD8). Also called: Arrhythmogenic Right Ventricular Dysplasia/Cardiomyopathy 8; ARRHYTHMOGENIC RIGHT VENTRICULAR DYSPLASIA, FAMILIAL, 8; ARRHYTHMOGENIC RIGHT VENTRICULAR CARDIOMYOPATHY 8. Identifiers: MedGen C1843896, MONDO:0011831, OMIM 607450.
Cardiomyopathy (CMYO). Also called: Cardiomyopathies. Identifiers: Orphanet 167848, MedGen C0878544, MONDO:0004994, HP:0001638. Inheritance: Various modes of inheritance.
Woolly hair-skin fragility syndrome (WHSF). Identifiers: Orphanet 293165, MedGen C1843292, MONDO:0957307, OMIM 620415.
Lethal acantholytic epidermolysis bullosa (EBLA). Identifiers: Orphanet 158687, MedGen C1864826, MONDO:0012323, OMIM 609638.

Allele frequency attached by ClinVar (database versions not stated): gnomAD exomes 0.00596 and 0.00817; gnomAD 0.00636 and 0.00645; ESP Exome Variant Server 0.00761; ExAC 0.00560; 1000 Genomes Project 30x 0.00312; 1000 Genomes Project 0.00319; TOPMed 0.00620.
gnomAD v4.1: 12,903 of 1,612,636 alleles (0.8%); highest among the groups gnomAD compares: Non-Finnish European, 0.89%; 75 homozygotes.

Submissions (16):

CeGaT Center for Human Genetics Tuebingen
Classification: Benign. Last evaluated: 2026-10-01. Review status: criteria provided, single submitter. Criteria: CeGaT Center For Human Genetics Tuebingen Variant Classification Criteria Version 2. Collection method: clinical testing. Allele origin: germline. Affected: yes. Observed: 56 variant alleles.
Comment: DSP: BS1, BS2

Labcorp Genetics (formerly Invitae), Labcorp
Classification: Benign for Arrhythmogenic cardiomyopathy with wooly hair and keratoderma; Arrhythmogenic right ventricular dysplasia 8. Last evaluated: 2025-12-08. Review status: criteria provided, single submitter. Criteria: Invitae Variant Classification Sherloc (09022015). Collection method: clinical testing. Allele origin: germline.

Molecular Diagnostic Laboratory for Inherited Cardiovascular Disease, Montreal Heart Institute
Classification: Benign. Last evaluated: 2025-02-17. Review status: criteria provided, single submitter. Criteria: ACMG Guidelines, 2015. Collection method: clinical testing. Allele origin: germline. Affected: no.

Blueprint Genetics
Classification: Likely benign. Last evaluated: 2024-11-25. Review status: criteria provided, single submitter. Criteria: ACMG Guidelines, 2015. Collection method: clinical testing. Allele origin: germline.

Mayo Clinic Laboratories, Mayo Clinic
Classification: Benign. Last evaluated: 2024-11-18. Review status: criteria provided, single submitter. Criteria: ACMG Guidelines, 2015. Collection method: clinical testing. Allele origin: germline. Observed: 23 variant alleles.
Comment: BS1, BS2

ARUP Laboratories, Molecular Genetics and Genomics, ARUP Laboratories
Classification: Benign. Last evaluated: 2020-04-09. Review status: criteria provided, single submitter. Criteria: ARUP Molecular Germline Variant Investigation Process. Collection method: clinical testing. Allele origin: germline.

Mendelics
Classification: Benign for Arrhythmogenic cardiomyopathy with wooly hair and keratoderma. Last evaluated: 2019-05-28. Review status: criteria provided, single submitter. Criteria: Mendelics Assertion Criteria 2017. Collection method: clinical testing. Allele origin: unknown.

GeneDx
Classification: Benign. Last evaluated: 2018-11-28. Review status: criteria provided, single submitter. Criteria: GeneDx Variant Classification Process June 2021. Collection method: clinical testing. Allele origin: germline. Affected: yes.
Comment: This variant is associated with the following publications: (PMID: 21723241, 26332594)

Illumina Laboratory Services, Illumina
Classification: Likely benign for Lethal acantholytic epidermolysis bullosa. Last evaluated: 2018-03-26. Review status: criteria provided, single submitter. Criteria: ICSL Variant Classification Criteria 13 December 2019. Collection method: clinical testing. Allele origin: germline.
Comment: This variant was observed as part of a predisposition screen in an ostensibly healthy population. A literature search was performed for the gene, cDNA change, and amino acid change (where applicable). No publications were found based on this search. Allele frequency data from public databases allowed determination this variant is unlikely to cause disease. Therefore, this variant is classified as likely benign.

Illumina Laboratory Services, Illumina
Classification: Likely benign for Arrhythmogenic cardiomyopathy with wooly hair and keratoderma. Last evaluated: 2018-03-26. Review status: criteria provided, single submitter. Criteria: ICSL Variant Classification Criteria 13 December 2019. Collection method: clinical testing. Allele origin: germline.
Comment: the same text as in the submission from Illumina Laboratory Services, Illumina above.

Illumina Laboratory Services, Illumina
Classification: Likely benign for Arrhythmogenic right ventricular dysplasia 8. Last evaluated: 2018-03-26. Review status: criteria provided, single submitter. Criteria: ICSL Variant Classification Criteria 13 December 2019. Collection method: clinical testing. Allele origin: germline.
Comment: the same text as in the submission from Illumina Laboratory Services, Illumina above.

Center for Pediatric Genomic Medicine, Children's Mercy Hospital and Clinics
Classification: Likely benign. Last evaluated: 2016-09-16. Review status: criteria provided, single submitter. Criteria: ACMG Guidelines, 2015. Collection method: clinical testing. Allele origin: germline.
ClinVar note: Converted during submission from Likely Benign to Likely benign.

CHEO Genetics Diagnostic Laboratory, Children's Hospital of Eastern Ontario
Classification: Benign for Cardiomyopathy. Last evaluated: 2015-11-18. Review status: criteria provided, single submitter. Criteria: ACMG Guidelines, 2015. Collection method: clinical testing. Allele origin: germline. Study: Canadian Open Genetics Repository.

Genomic Diagnostic Laboratory, Division of Genomic Diagnostics, Children's Hospital of Philadelphia
Classification: Likely benign for Arrhythmogenic right ventricular cardiomyopathy. Last evaluated: 2015-06-05. Review status: criteria provided, single submitter. Criteria: DGD Variant Analysis Guidelines. Collection method: clinical testing. Allele origin: unknown.

Laboratory for Molecular Medicine, Mass General Brigham Personalized Medicine
Classification: Benign. Last evaluated: 2012-01-20. Review status: criteria provided, single submitter. Criteria: LMM Criteria. Collection method: clinical testing. Allele origin: germline. Observed: 32 variant alleles.
Comment: *9T>A variant in 3' UTR of DSP: This variant is not expected to have clinical si gnificance because it does not alter an amino acid residue and it has been ident ified in 1.11% (78/7020) of European American chromosomes by the NHLBI Exome Seq uencing Project in a broad population (rs11558 732).

Breakthrough Genomics
Classification: Likely benign. Review status: criteria provided, single submitter. Criteria: ACMG Guidelines, 2015. Collection method: not provided. Allele origin: germline. Inheritance: Autosomal recessive inheritance. Affected: yes.

NM_004415.4(DSP):c.*9T>A

Gene: DSP (desmoplakin; plus strand). Cytogenetic location: 6p24.3.
Variant type: single nucleotide variant.
Coding change: c.*9T>A on transcript NM_004415.4 (MANE Select); 9 bases downstream of the stop codon, T replaced by A.
Molecular consequence: 3 prime UTR variant.
Genome position (GRCh38, 1-based): chr6:7,585,887, T>A. VCF-style: chr6-7585887-T-A. GRCh37 (hg19) VCF-style: chr6-7586120-T-A.
Other names: c.*9T>A; c.*9T>A (NM_001008844.3, NM_001319034.2, NM_004415.3).
Identifiers: ClinVar variation 44850 (VCV000044850.69), dbSNP rs11558732, ClinGen allele CA007916.